The following is an entry in ClinVar:

ClinVar aggregate classification (germline): Conflicting classifications of pathogenicity. Review status: criteria provided, conflicting classifications (1 of 4 stars). 10 submissions from 10 submitters: Uncertain significance (7); Likely benign (2). 1 of the submissions does not count toward it. Last evaluated 2025-12-22.

Conditions:
Hereditary cancer-predisposing syndrome. Also called: Hereditary neoplastic syndrome; Neoplastic Syndromes, Hereditary; Hereditary Cancer Syndrome; Tumor predisposition. Identifiers: Orphanet 140162, MedGen C0027672, MeSH D009386, MONDO:0015356.
Hereditary breast ovarian cancer syndrome. Also called: Hereditary breast and ovarian cancer syndrome (HBOC); Hereditary breast and/or ovarian cancer syndrome; Hereditary breast and ovarian cancer syndrome; Breast and ovarian cancer; BRCA1- and BRCA2-Associated Hereditary Breast and Ovarian Cancer; Hereditary breast and ovarian cancer. Identifiers: Orphanet 145, MedGen C0677776, MeSH D061325, MONDO:0003582. Disease mechanism: loss of function.
Breast-ovarian cancer, familial, susceptibility to, 2 (BROVCA2). Also called: BRCA2 Hereditary Breast and Ovarian Cancer. Identifiers: Orphanet 145, MedGen C2675520, MONDO:0012933, OMIM 612555. Disease mechanism: loss of function.

Allele frequency attached by ClinVar (database versions not stated): gnomAD exomes below 0.00001; TOPMed below 0.00001.
gnomAD v4.1: 2 of 1,612,326 alleles (0.00012%); highest among the groups gnomAD compares: East Asian, 0.0022%; no homozygotes.

Submissions (10):

Ambry Genetics
Classification: Likely benign for Hereditary cancer-predisposing syndrome. Last evaluated: 2025-12-22. Review status: criteria provided, single submitter. Criteria: Ambry Variant Classification Scheme 2023. Collection method: clinical testing. Allele origin: germline.

Labcorp Genetics (formerly Invitae), Labcorp
Classification: Uncertain significance for Hereditary breast ovarian cancer syndrome. Last evaluated: 2025-11-09. Review status: criteria provided, single submitter. Criteria: Invitae Variant Classification Sherloc (09022015). Collection method: clinical testing. Allele origin: germline.
Comment: This sequence change replaces glutamic acid, which is acidic and polar, with glycine, which is neutral and non-polar, at codon 1879 of the BRCA2 protein (p.Glu1879Gly). This variant is present in population databases (rs398122536, gnomAD 0.003%). This missense change has been observed in individual(s) with breast cancer (internal data). ClinVar contains an entry for this variant (Variation ID: 91419). Invitae Evidence Modeling of protein sequence and biophysical properties (such as structural, functional, and spatial information, amino acid conservation, physicochemical variation, residue mobility, and thermodynamic stability) indicates that this missense variant is not expected to disrupt BRCA2 protein function with a negative predictive value of 95%. In summary, the available evidence is currently insufficient to determine the role of this variant in disease. Therefore, it has been classified as a Variant of Uncertain Significance.

Quest Diagnostics Nichols Institute San Juan Capistrano
Classification: Uncertain significance. Last evaluated: 2025-05-18. Review status: criteria provided, single submitter. Criteria: Quest Diagnostics criteria. Collection method: clinical testing. Allele origin: unknown.
Comment: The BRCA2 c.5636A>G (p.Glu1879Gly) variant has been reported in the published literature to be located in a region of the BRCA2 gene that is tolerant to missense sequence changes (PMID: 31911673 (2020)). The frequency of this variant in the general population (Genome Aggregation Database) is uninformative in the assessment of its pathogenicity. Analysis of this variant using bioinformatics tools for the prediction of the effect of amino acid changes on protein structure and function yielded predictions that this variant is benign. Based on the available information, we are unable to determine the clinical significance of this variant.

Color Diagnostics, LLC DBA Color Health
Classification: Uncertain significance for Hereditary cancer-predisposing syndrome. Last evaluated: 2024-03-06. Review status: criteria provided, single submitter. Criteria: ACMG Guidelines, 2015. Collection method: clinical testing. Allele origin: germline.
Comment: This missense variant replaces glutamic acid with glycine at codon 1879 of the BRCA2 protein. Computational prediction suggests that this variant may not impact protein structure and function (internally defined REVEL score threshold <= 0.5, PMID: 27666373). To our knowledge, functional studies have not been reported for this variant. This variant has not been reported in individuals affected with hereditary cancer in the literature. This variant has been identified in 1/248928 chromosomes in the general population by the Genome Aggregation Database (gnomAD). The available evidence is insufficient to determine the role of this variant in disease conclusively. Therefore, this variant is classified as a Variant of Uncertain Significance.

University of Washington Department of Laboratory Medicine, University of Washington
Classification: Likely benign for Hereditary cancer-predisposing syndrome. Last evaluated: 2023-03-23. Review status: criteria provided, single submitter. Criteria: Dines et al. (Genet Med. 2020). Collection method: curation. Allele origin: germline.
Comment: Missense variant in a coldspot region where missense variants are very unlikely to be pathogenic (PMID:31911673).

BRCA2 exon 11 coldspot. Reclassification based on statistical prior probability.

Blueprint Genetics
Classification: Uncertain significance. Last evaluated: 2020-11-09. Review status: criteria provided, single submitter. Criteria: ACMG Guidelines, 2015. Collection method: clinical testing. Allele origin: germline.

Women's Health and Genetics/Laboratory Corporation of America, LabCorp
Classification: Uncertain significance. Last evaluated: 2019-11-15. Review status: criteria provided, single submitter. Criteria: LabCorp Variant Classification Summary - May 2015. Collection method: clinical testing. Allele origin: germline.
Comment: Variant summary: BRCA2 c.5636A>G (p.Glu1879Gly) results in a non-conservative amino acid change in the encoded protein sequence. Four of five in-silico tools predict a benign effect of the variant on protein function. The variant allele was found at a frequency of 4e-06 in 248928 control chromosomes (gnomAD). The available data on variant occurrences in the general population are insufficient to allow any conclusion about variant significance. To our knowledge, no occurrence of c.5636A>G in individuals affected with Hereditary Breast and Ovarian Cancer and no experimental evidence demonstrating its impact on protein function have been reported. Co-occurrences with other pathogenic variant(s) have been reported (BRCA2 c.1796_1800delCTTAT, p.Ser599X), providing supporting evidence for a benign role. Four ClinVar submissions (evaluation after 2014) cites the variant as uncertain significance. Based on the evidence outlined above, the variant was classified as VUS - possibly benign.

GeneDx
Classification: Uncertain significance. Last evaluated: 2019-07-23. Review status: criteria provided, single submitter. Criteria: GeneDx Variant Classification Process June 2021. Collection method: clinical testing. Allele origin: germline. Affected: yes.
Comment: Not observed at a significant frequency in large population cohorts (Lek et al., 2016); In silico analysis, which includes protein predictors and evolutionary conservation, supports a deleterious effect; Has not been previously published as pathogenic or benign to our knowledge

Mendelics
Classification: Uncertain significance for Breast-ovarian cancer, familial, susceptibility to, 2. Last evaluated: 2019-05-28. Review status: criteria provided, single submitter. Criteria: Mendelics Assertion Criteria 2017. Collection method: clinical testing. Allele origin: unknown.

Sharing Clinical Reports Project (SCRP)
Classification: Uncertain significance for Breast-ovarian cancer, familial 2. Last evaluated: 2011-03-17. Review status: no assertion criteria provided. Collection method: clinical testing. Allele origin: germline. Not counted in ClinVar's aggregate classification.

Literature cited by the submitters: PubMed 31911673 (cited by Quest Diagnostics Nichols Institute San Juan Capistrano).

NM_000059.4(BRCA2):c.5636A>G (p.Glu1879Gly)

Gene: BRCA2 (BRCA2 DNA repair associated; plus strand). Cytogenetic location: 13q13.1.
Variant type: single nucleotide variant.
Coding change: c.5636A>G on transcript NM_000059.4 (MANE Select); coding-DNA position 5636, A replaced by G.
Protein change: p.Glu1879Gly; replaces glutamic acid 1879 with glycine.
Molecular consequence: missense variant.
Genome position (GRCh38, 1-based): chr13:32,339,991, A>G. VCF-style: chr13-32339991-A-G. GRCh37 (hg19) VCF-style: chr13-32914128-A-G.
Other names: 5864A>G; short protein forms E1879G.
Identifiers: ClinVar variation 91419 (VCV000091419.31), dbSNP rs398122536, ClinGen allele CA022789.